The following is an entry in ClinVar:

NM_001457.4(FLNB):c.175C>T (p.Gln59Ter)

Gene: FLNB (filamin B; plus strand). Cytogenetic location: 3p14.3.
Variant type: single nucleotide variant.
Coding change: c.175C>T on transcript NM_001457.4 (MANE Select); coding-DNA position 175, C replaced by T.
Protein change: p.Gln59Ter; replaces glutamine 59 with a stop codon.
Molecular consequence: nonsense.
Genome position (GRCh38, 1-based): chr3:58,008,739, C>T. VCF-style: chr3-58008739-C-T. GRCh37 (hg19) VCF-style: chr3-57994466-C-T.
Other names: c.175C>T, p.Gln59Ter (NM_001164317.2, NM_001164318.2, NM_001164319.2); short protein forms Q59*.
Identifiers: ClinVar variation 3366015 (VCV003366015.2).
Genomic context (GRCh38, chr3:58,008,739, plus strand): 5'-AACCTGCAGACCGACCTGAGCGACGGGCTGCGGCTCATCGCGCTGCTCGAGGTGCTCAGC[C>T]AGAAGCGCATGTACCGCAAGTACCATCAGCGGCCCACCTTTCGCCAGATGCAGCTCGAGA-3'

ClinVar aggregate classification (germline): Pathogenic (1 of 4 stars; one submission).

gnomAD v4.1: 1 of 1,614,168 alleles (0.000062%); highest among the groups gnomAD compares: Non-Finnish European, 0.000085%; no homozygotes.

Submission:

GeneDx
Classification: Pathogenic. Last evaluated: 2025-11-13. Review status: criteria provided, single submitter. Criteria: GeneDx Variant Classification Process June 2021. Collection method: clinical testing. Allele origin: germline.
Comment: Nonsense variant predicted to result in protein truncation or nonsense mediated decay in a gene for which loss of function is a known mechanism of disease; Not observed at significant frequency in large population cohorts (gnomAD); Has not been previously published as pathogenic or benign to our knowledge